The following is an entry in ClinVar:

NM_207034.3(EDN3):c.404G>T (p.Ser135Ile)

Gene: EDN3 (endothelin 3; plus strand). Cytogenetic location: 20q13.32.
Variant type: single nucleotide variant.
Coding change: c.404G>T on transcript NM_207034.3 (MANE Select); coding-DNA position 404, G replaced by T.
Protein change: p.Ser135Ile; replaces serine 135 with isoleucine.
Molecular consequence: missense variant.
Genome position (GRCh38, 1-based): chr20:59,321,055, G>T. VCF-style: chr20-59321055-G-T. GRCh37 (hg19) VCF-style: chr20-57896110-G-T.
Other names: c.404G>T, p.Ser135Ile (NM_001302455.2, NM_001302456.2, NM_207032.3 and 1 more transcripts); short protein forms S135I.
Identifiers: ClinVar variation 1314482 (VCV001314482.10), dbSNP rs374873073, ClinGen allele CA9930367.

ClinVar aggregate classification (germline): Uncertain significance. Review status: criteria provided, multiple submitters, no conflicts (2 of 4 stars). 3 submissions from 3 submitters: Uncertain significance (3). Last evaluated 2025-09-01.

Allele frequency attached by ClinVar (database versions not stated): gnomAD exomes 0.00006; ESP Exome Variant Server 0.00008; ExAC 0.00009.
gnomAD v4.1: 92 of 1,614,130 alleles (0.0057%); highest among the groups gnomAD compares: Non-Finnish European, 0.007%; no homozygotes.

Submissions (3):

CeGaT Center for Human Genetics Tuebingen
Classification: Uncertain significance. Last evaluated: 2025-09-01. Review status: criteria provided, single submitter. Criteria: CeGaT Center For Human Genetics Tuebingen Variant Classification Criteria Version 2. Collection method: clinical testing. Allele origin: germline. Affected: yes. Observed: 1 variant allele.
Comment: EDN3: PM2

GeneDx
Classification: Uncertain significance. Last evaluated: 2025-08-07. Review status: criteria provided, single submitter. Criteria: GeneDx Variant Classification Process June 2021. Collection method: clinical testing. Allele origin: germline. Affected: yes.
Comment: In silico analysis supports that this missense variant has a deleterious effect on protein structure/function; Has not been previously published as pathogenic or benign to our knowledge

Labcorp Genetics (formerly Invitae), Labcorp
Classification: Uncertain significance. Last evaluated: 2022-10-17. Review status: criteria provided, single submitter. Criteria: Invitae Variant Classification Sherloc (09022015). Collection method: clinical testing. Allele origin: germline.
Comment: This sequence change replaces serine, which is neutral and polar, with isoleucine, which is neutral and non-polar, at codon 135 of the EDN3 protein (p.Ser135Ile). This variant is present in population databases (rs374873073, gnomAD 0.01%). This variant has not been reported in the literature in individuals affected with EDN3-related conditions. ClinVar contains an entry for this variant (Variation ID: 1314482). Algorithms developed to predict the effect of missense changes on protein structure and function are either unavailable or do not agree on the potential impact of this missense change (SIFT: "Deleterious"; PolyPhen-2: "Possibly Damaging"; Align-GVGD: "Class C0"). In summary, the available evidence is currently insufficient to determine the role of this variant in disease. Therefore, it has been classified as a Variant of Uncertain Significance.